The following is an entry in ClinVar:

NM_000061.3(BTK):c.980C>T (p.Pro327Leu)

Gene: BTK (Bruton tyrosine kinase; minus strand). Cytogenetic location: Xq22.1.
Variant type: single nucleotide variant.
Coding change: c.980C>T on transcript NM_000061.3 (MANE Select); coding-DNA position 980, C replaced by T.
Protein change: p.Pro327Leu; replaces proline 327 with leucine.
Molecular consequence: missense variant.
Genome position (GRCh38, 1-based): chrX:101,358,432, G>A on the plus strand (C>T on the coding strand, the complement: BTK is on the minus strand). VCF-style: chrX-101358432-G-A. GRCh37 (hg19) VCF-style: chrX-100613420-G-A.
Other names: c.1082C>T, p.Pro361Leu (NM_001287344.2); c.980C>T, p.Pro327Leu (NM_001287345.2); short protein forms P327L, P361L.
Identifiers: ClinVar variation 963034 (VCV000963034.8), dbSNP rs1926556967, ClinGen allele CA413928591.
Genomic context (GRCh38, chrX:101,358,432, plus strand): 5'-GCCAGGTAATACTGGCTCTGAGGTGTGGAACACACAACATAATGACGTATCACCCCTTGA[G>A]GGTCCCTGAAGAAGTGGATGCTTAGTCAGTAACTTGGGCACAAAGGTCAACAGAACCCAG-3'
Protein context (NP_000052.1, residues 317-337): VSVFAKSTGD[Pro327Leu]QGVIRHYVVC

ClinVar aggregate classification (germline): Uncertain significance. Review status: criteria provided, multiple submitters, no conflicts (2 of 4 stars). 2 submissions from 2 submitters: Uncertain significance (2). Last evaluated 2026-02-26.

Conditions:
Inborn genetic diseases. Identifiers: MedGen C0950123, MeSH D030342.
X-linked agammaglobulinemia with growth hormone deficiency (IGHD3). Also called: FLEISHER SYNDROME; HYPOGAMMAGLOBULINEMIA AND ISOLATED GROWTH HORMONE DEFICIENCY, X-LINKED; IGHD III; ISOLATED GROWTH HORMONE DEFICIENCY, TYPE III, WITH AGAMMAGLOBULINEMIA; AGAMMAGLOBULINEMIA AND ISOLATED GROWTH HORMONE DEFICIENCY, X-LINKED; Isolated growth hormone deficiency type 3. Identifiers: Orphanet 231692, Orphanet 631, MedGen C0472813, MONDO:0010615, OMIM 307200.

Allele frequency attached by ClinVar (database versions not stated): TOPMed below 0.00001.

Submissions (2):

Ambry Genetics
Classification: Uncertain significance for Inborn genetic diseases. Last evaluated: 2026-02-26. Review status: criteria provided, single submitter. Criteria: Ambry Variant Classification Scheme 2023. Collection method: clinical testing. Allele origin: germline.

Labcorp Genetics (formerly Invitae), Labcorp
Classification: Uncertain significance for X-linked agammaglobulinemia with growth hormone deficiency. Last evaluated: 2022-02-05. Review status: criteria provided, single submitter. Criteria: Invitae Variant Classification Sherloc (09022015). Collection method: clinical testing. Allele origin: germline.
Comment: This sequence change replaces proline, which is neutral and non-polar, with leucine, which is neutral and non-polar, at codon 327 of the BTK protein (p.Pro327Leu). This variant is not present in population databases (gnomAD no frequency). This variant has not been reported in the literature in individuals affected with BTK-related conditions. ClinVar contains an entry for this variant (Variation ID: 963034). Advanced modeling of protein sequence and biophysical properties (such as structural, functional, and spatial information, amino acid conservation, physicochemical variation, residue mobility, and thermodynamic stability) performed at Invitae indicates that this missense variant is not expected to disrupt BTK protein function. In summary, the available evidence is currently insufficient to determine the role of this variant in disease. Therefore, it has been classified as a Variant of Uncertain Significance.